The following is an entry in ClinVar:

ClinVar aggregate classification (germline): Benign/Likely benign. Review status: criteria provided, multiple submitters, no conflicts (2 of 4 stars). 3 submissions from 3 submitters: Benign (1); Likely benign (2). Last evaluated 2025-10-14.

Conditions:
Hereditary nonpolyposis colorectal neoplasms. Identifiers: MedGen C0009405, MeSH D003123.
Hereditary cancer-predisposing syndrome. Also called: Tumor predisposition; Hereditary Cancer Syndrome; Neoplastic Syndromes, Hereditary; Hereditary neoplastic syndrome. Identifiers: Orphanet 140162, MedGen C0027672, MeSH D009386, MONDO:0015356.
Lynch syndrome 4 (LYNCH4). Also called: Colorectal cancer, hereditary nonpolyposis, type 4; Hereditary non-polyposis colorectal cancer, type 4. Identifiers: Orphanet 144, MedGen C1838333, MONDO:0013699, OMIM 614337. Disease mechanism: loss of function.

Allele frequency attached by ClinVar (database versions not stated): gnomAD exomes below 0.00001.
gnomAD v4.1: 1 of 1,603,088 alleles (0.000062%); highest among the groups gnomAD compares: Non-Finnish European, 0.000085%; no homozygotes.

Submissions (3):

Labcorp Genetics (formerly Invitae), Labcorp
Classification: Likely benign for Hereditary nonpolyposis colorectal neoplasms. Last evaluated: 2025-10-14. Review status: criteria provided, single submitter. Criteria: Invitae Variant Classification Sherloc (09022015). Collection method: clinical testing. Allele origin: germline.

Myriad Genetics, Inc.
Classification: Benign for Lynch syndrome 4. Last evaluated: 2025-01-24. Review status: criteria provided, single submitter. Criteria: Myriad Autosomal Dominant, Autosomal Recessive and X-Linked Classification Criteria (2023). Collection method: clinical testing. Allele origin: unknown.
Comment: This variant is considered benign. This variant is a silent/synonymous amino acid change and it is not expected to impact splicing.

Ambry Genetics
Classification: Likely benign for Hereditary cancer-predisposing syndrome. Last evaluated: 2018-06-27. Review status: criteria provided, single submitter. Criteria: Ambry Variant Classification Scheme 2023. Collection method: clinical testing. Allele origin: germline.

NM_000535.7(PMS2):c.297T>A (p.Thr99=)

Gene: PMS2 (PMS1 homolog 2, mismatch repair system component; minus strand). Cytogenetic location: 7p22.1.
Variant type: single nucleotide variant.
Coding change: c.297T>A on transcript NM_000535.7 (MANE Select); coding-DNA position 297, T replaced by A.
Protein change: p.Thr99=; no amino-acid change (threonine 99 retained).
Molecular consequence: synonymous variant. On other transcripts: 5 prime UTR variant (9), non-coding transcript variant (1), intron variant (2).
Genome position (GRCh38, 1-based): chr7:6,003,746, A>T on the plus strand (T>A on the coding strand, the complement: PMS2 is on the minus strand). VCF-style: chr7-6003746-A-T. GRCh37 (hg19) VCF-style: chr7-6043377-A-T.
Other names: c.-109T>A (NM_001322003.2, NM_001322004.2, NM_001322005.2 and 3 more transcripts); c.297T>A, p.Thr99= (NM_001322006.2, NM_001322014.2); c.-588T>A (NM_001322011.2, NM_001322012.2); c.-188T>A (NM_001322015.2); c.35+226T>A (NM_001322008.2, NM_001322007.2).
Identifiers: ClinVar variation 822412 (VCV000822412.6), dbSNP rs1583408662, ClinGen allele CA453647959.